The following is an entry in ClinVar:

ClinVar aggregate classification (germline): Uncertain significance. Review status: criteria provided, multiple submitters, no conflicts (2 of 4 stars). 2 submissions from 2 submitters: Uncertain significance (2). Last evaluated 2025-11-17.

Conditions:
Tumor predisposition syndrome 3 (TPDS3). Also called: Glioma susceptibility 9; LONG TELOMERE SYNDROME, POT1-RELATED; POT1 Tumor Predisposition; Melanoma, cutaneous malignant, susceptibility to, 10. Identifiers: Orphanet 618, MedGen C4014476, MONDO:0014368, OMIM 615848.
Hereditary cancer-predisposing syndrome. Also called: Hereditary Cancer Syndrome; Neoplastic Syndromes, Hereditary; Hereditary neoplastic syndrome; Tumor predisposition. Identifiers: Orphanet 140162, MedGen C0027672, MeSH D009386, MONDO:0015356.

Allele frequency attached by ClinVar (database versions not stated): ExAC 0.00001; gnomAD exomes below 0.00001.

Submissions (2):

Ambry Genetics
Classification: Uncertain significance for Hereditary cancer-predisposing syndrome. Last evaluated: 2025-11-17. Review status: criteria provided, single submitter. Criteria: Ambry Variant Classification Scheme 2023. Collection method: clinical testing. Allele origin: germline.
Comment: The p.S461C variant (also known as c.1381A>T), located in coding exon 11 of the POT1 gene, results from an A to T substitution at nucleotide position 1381. The serine at codon 461 is replaced by cysteine, an amino acid with dissimilar properties. This amino acid position is conserved. In addition, this alteration is predicted to be tolerated by in silico analysis. Based on the available evidence, the clinical significance of this variant remains unclear.

Labcorp Genetics (formerly Invitae), Labcorp
Classification: Uncertain significance for Tumor predisposition syndrome 3. Last evaluated: 2025-10-10. Review status: criteria provided, single submitter. Criteria: Invitae Variant Classification Sherloc (09022015). Collection method: clinical testing. Allele origin: germline.
Comment: This sequence change replaces serine, which is neutral and polar, with cysteine, which is neutral and slightly polar, at codon 461 of the POT1 protein (p.Ser461Cys). This variant is present in population databases (rs762019631, gnomAD 0.0009%). This variant has not been reported in the literature in individuals affected with POT1-related conditions. ClinVar contains an entry for this variant (Variation ID: 541856). Invitae Evidence Modeling of protein sequence and biophysical properties (such as structural, functional, and spatial information, amino acid conservation, physicochemical variation, residue mobility, and thermodynamic stability) indicates that this missense variant is not expected to disrupt POT1 protein function with a negative predictive value of 80%. In summary, the available evidence is currently insufficient to determine the role of this variant in disease. Therefore, it has been classified as a Variant of Uncertain Significance.

NM_015450.3(POT1):c.1381A>T (p.Ser461Cys)

Gene: POT1 (protection of telomeres 1; minus strand). Cytogenetic location: 7q31.33.
Variant type: single nucleotide variant.
Coding change: c.1381A>T on transcript NM_015450.3 (MANE Select); coding-DNA position 1381, A replaced by T.
Protein change: p.Ser461Cys; replaces serine 461 with cysteine.
Molecular consequence: missense variant. On other transcripts: non-coding transcript variant (3).
Genome position (GRCh38, 1-based): chr7:124,835,403, T>A on the plus strand (A>T on the coding strand, the complement: POT1 is on the minus strand). VCF-style: chr7-124835403-T-A. GRCh37 (hg19) VCF-style: chr7-124475457-T-A.
Other names: c.988A>T, p.Ser330Cys (NM_001042594.2); short protein forms S461C, S330C.
Identifiers: ClinVar variation 541856 (VCV000541856.10), dbSNP rs762019631, ClinGen allele CA4465134.